The following is an entry in ClinVar:

NM_015599.3(PGM3):c.-2-195C>G

Gene: PGM3 (phosphoglucomutase 3; minus strand). Cytogenetic location: 6q14.1.
Variant type: single nucleotide variant.
Coding change: c.-2-195C>G on transcript NM_015599.3 (MANE Select); 195 bases into the intron before 2 bases upstream of the start codon, C replaced by G.
Molecular consequence: intron variant. On other transcripts: nonsense (2).
Genome position (GRCh38, 1-based): chr6:83,191,209, G>C on the plus strand (C>G on the coding strand, the complement: PGM3 is on the minus strand). VCF-style: chr6-83191209-G-C. GRCh37 (hg19) VCF-style: chr6-83900928-G-C.
Other names: c.60C>G, p.Tyr20Ter (NM_001199917.2, NM_001367287.1); c.-40+1970C>G (NM_001199918.2); c.-2-195C>G (NM_001367286.1, NM_001199919.2); short protein forms Y20*.
Identifiers: ClinVar variation 1912110 (VCV001912110.5), dbSNP rs1019772614, ClinGen allele CA141912091.

ClinVar aggregate classification (germline): Pathogenic (1 of 4 stars; one submission).

Conditions:
Immunodeficiency 23 (IMD23). Also called: IMMUNODEFICIENCY WITH HYPER IgE AND COGNITIVE IMPAIRMENT; IMMUNODEFICIENCY-VASCULITIS-MYOCLONUS SYNDROME. Identifiers: Orphanet 443811, MedGen C4014371, MONDO:0014353, OMIM 615816.

Allele frequency attached by ClinVar (database versions not stated): gnomAD 0.00004.
gnomAD v4.1: 29 of 1,534,758 alleles (0.0019%); highest among the groups gnomAD compares: Non-Finnish European, 0.0024%; no homozygotes.

Submission:

Labcorp Genetics (formerly Invitae), Labcorp
Classification: Pathogenic for Immunodeficiency 23. Last evaluated: 2025-08-16. Review status: criteria provided, single submitter. Criteria: Invitae Variant Classification Sherloc (09022015). Collection method: clinical testing. Allele origin: germline.
Comment: This sequence change creates a premature translational stop signal (p.Tyr20*) in the PGM3 gene. It is expected to result in an absent or disrupted protein product. Loss-of-function variants in PGM3 are known to be pathogenic (PMID: 17548465, 24589341, 24931394). This variant is present in population databases (no rsID available, gnomAD 0.002%). This variant has not been reported in the literature in individuals affected with PGM3-related conditions. ClinVar contains an entry for this variant (Variation ID: 1912110). For these reasons, this variant has been classified as Pathogenic.

Literature cited by the submitters: PubMed 17548465; PubMed 24589341; PubMed 24931394.